The following is an entry in ClinVar:

NM_001365951.3(KIF1B):c.*1770C>T

Gene: KIF1B (kinesin family member 1B; plus strand). Cytogenetic location: 1p36.22.
Variant type: single nucleotide variant.
Coding change: c.*1770C>T on transcript NM_001365951.3 (MANE Select); 1770 bases downstream of the stop codon, C replaced by T.
Molecular consequence: 3 prime UTR variant.
Genome position (GRCh38, 1-based): chr1:10,378,357, C>T. VCF-style: chr1-10378357-C-T. GRCh37 (hg19) VCF-style: chr1-10438415-C-T.
Other names: c.*1770C>T (NM_001365952.1, NM_015074.3).
Identifiers: ClinVar variation 3388547 (VCV003388547.14).

ClinVar aggregate classification (germline): Likely benign (1 of 4 stars; one submission).

gnomAD v4.1: 38 of 717,806 alleles (0.0053%); highest among the groups gnomAD compares: Middle Eastern, 0.091%; no homozygotes.

Submission:

CeGaT Center for Human Genetics Tuebingen
Classification: Likely benign. Last evaluated: 2024-09-01. Review status: criteria provided, single submitter. Criteria: CeGaT Center For Human Genetics Tuebingen Variant Classification Criteria Version 2. Collection method: clinical testing. Allele origin: germline. Affected: yes. Observed: 1 variant allele.
Comment: KIF1B: BP4, BP7